The following is an entry in ClinVar:

ClinVar aggregate classification (germline): Uncertain significance (1 of 4 stars; one submission).

Conditions:
Autosomal dominant childhood-onset proximal spinal muscular atrophy with contractures (SMALED2A). Also called: Spinal muscular atrophy, lower extremity-predominant, 2A, autosomal dominant; SPINAL MUSCULAR ATROPHY, LOWER EXTREMITY-PREDOMINANT, 2A, CHILDHOOD ONSET, AUTOSOMAL DOMINANT. Identifiers: Orphanet 363447, Orphanet 363454, MedGen C4747715, MONDO:0014121, OMIM 615290.

gnomAD v4.1: 2 of 1,609,634 alleles (0.00012%); highest among the groups gnomAD compares: Non-Finnish European, 0.00017%; no homozygotes.

Submission:

Labcorp Genetics (formerly Invitae), Labcorp
Classification: Uncertain significance for Autosomal dominant childhood-onset proximal spinal muscular atrophy with contractures. Last evaluated: 2024-07-16. Review status: criteria provided, single submitter. Criteria: Invitae Variant Classification Sherloc (09022015). Collection method: clinical testing. Allele origin: germline.
Comment: This sequence change replaces asparagine, which is neutral and polar, with serine, which is neutral and polar, at codon 842 of the BICD2 protein (p.Asn842Ser). This variant is not present in population databases (gnomAD no frequency). This variant has not been reported in the literature in individuals affected with BICD2-related conditions. Advanced modeling of protein sequence and biophysical properties (such as structural, functional, and spatial information, amino acid conservation, physicochemical variation, residue mobility, and thermodynamic stability) performed at Invitae indicates that this missense variant is not expected to disrupt BICD2 protein function with a negative predictive value of 95%. In summary, the available evidence is currently insufficient to determine the role of this variant in disease. Therefore, it has been classified as a Variant of Uncertain Significance.

NM_001003800.2(BICD2):c.2525A>G (p.Asn842Ser)

Gene: BICD2 (BICD cargo adaptor 2; minus strand). Cytogenetic location: 9q22.31.
Variant type: single nucleotide variant.
Coding change: c.2525A>G on transcript NM_001003800.2 (MANE Select); coding-DNA position 2525, A replaced by G.
Protein change: p.Asn842Ser; replaces asparagine 842 with serine.
Molecular consequence: missense variant. On other transcripts: intron variant (1).
Genome position (GRCh38, 1-based): chr9:92,715,197, T>C on the plus strand (A>G on the coding strand, the complement: BICD2 is on the minus strand). VCF-style: chr9-92715197-T-C. GRCh37 (hg19) VCF-style: chr9-95477479-T-C.
Other names: c.2469+56A>G (NM_015250.4); short protein forms N842S.
Identifiers: ClinVar variation 3713165 (VCV003713165.2).